The following is an entry in ClinVar:

ClinVar aggregate classification (germline): Conflicting classifications of pathogenicity. Review status: criteria provided, conflicting classifications (1 of 4 stars). 2 submissions from 2 submitters: Likely pathogenic (1); Uncertain significance (1). Last evaluated 2022-05-23.

Conditions:
Capillary malformation-arteriovenous malformation syndrome. Also called: Capillary malformation-arteriovenous malformation. Identifiers: Orphanet 137667, MedGen C1842180, MONDO:0012016.
Capillary malformation-arteriovenous malformation 1 (CMAVM1). Identifiers: Orphanet 137667, Orphanet 693907, MedGen C4747394, MONDO:0020783, OMIM 608354.

Submissions (2):

Revvity Omics, Revvity
Classification: Uncertain significance for Capillary malformation-arteriovenous malformation 1. Last evaluated: 2022-05-23. Review status: criteria provided, single submitter. Criteria: ACMG Guidelines, 2015. Collection method: clinical testing. Allele origin: germline.

Labcorp Genetics (formerly Invitae), Labcorp
Classification: Likely pathogenic for Capillary malformation-arteriovenous malformation syndrome. Last evaluated: 2021-06-21. Review status: criteria provided, single submitter. Criteria: Invitae Variant Classification Sherloc (09022015). Collection method: clinical testing. Allele origin: germline.
Comment: In summary, the currently available evidence indicates that the variant is pathogenic, but additional data are needed to prove that conclusively. Therefore, this variant has been classified as Likely Pathogenic. Experimental studies and prediction algorithms are not available for this variant, and the functional significance of the frameshift is currently unknown. This variant has been reported to segregate with capillary malformation-arteriovenous malformation in a family (PMID: 24038909). This variant is not present in population databases (ExAC no frequency). This sequence change results in a frameshift in the last exon of the RASA1 gene (p.Gln1037Thrfs*63). While this is not anticipated to result in nonsense mediated decay, it is expected to disrupt the last 11 amino acids of the RASA1 protein, and to extend the protein by an additional 52 amino acids.

Literature cited by the submitters: PubMed 24038909 (cited by Labcorp Genetics (formerly Invitae), Labcorp).

NM_002890.3(RASA1):c.3109_3112del (p.Gln1037fs)

Genes: CCNH (cyclin H; minus strand), RASA1 (RAS p21 protein activator 1; plus strand). Cytogenetic location: 5q14.3.
Variant type: Deletion.
Coding change: c.3109_3112del on transcript NM_002890.3 (MANE Select); coding-DNA positions 3109 to 3112, 4 bases deleted (CAAA; older notation c.3109_3112delCAAA).
Protein change: p.Gln1037fs; shifts the reading frame from glutamine 1037.
Molecular consequence: frameshift variant. On other transcripts: 3 prime UTR variant (2), non-coding transcript variant (1), intron variant (1).
Genome position (GRCh38, 1-based): chr5:87,390,848-87,390,851, CAAA deleted; deleting any 4 consecutive bases within chr5:87,390,845-87,390,851 gives the same sequence; the c. name uses the placement nearest the transcript's 3' end. VCF-style (leftmost placement, unchanged base first): chr5-87390844-AAAAC-A. GRCh37 (hg19) VCF-style: chr5-86686661-AAAAC-A.
Other names: c.2578_2581del, p.Gln860fs (NM_022650.3); c.*2012_*2015del (NM_001363539.2, NM_001364076.2); c.933+4196_933+4199del (NM_001364075.2); c.3109_3112del (NM_002890.2); short protein forms Q860fs, Q1037fs.
Identifiers: ClinVar variation 464866 (VCV000464866.15), dbSNP rs1554051094, ClinGen allele CA658657462.